The following is an entry in ClinVar:

NM_004385.5(VCAN):c.8205T>A (p.Ser2735Arg)

Genes: VCAN (versican; plus strand), VCAN-AS1 (VCAN antisense RNA 1; minus strand). Cytogenetic location: 5q14.3.
Variant type: single nucleotide variant.
Coding change: c.8205T>A on transcript NM_004385.5 (MANE Select); coding-DNA position 8205, T replaced by A.
Protein change: p.Ser2735Arg; replaces serine 2735 with arginine.
Molecular consequence: missense variant. On other transcripts: intron variant (2).
Genome position (GRCh38, 1-based): chr5:83,541,208, T>A. VCF-style: chr5-83541208-T-A. GRCh37 (hg19) VCF-style: chr5-82837027-T-A.
Other names: c.5244T>A, p.Ser1748Arg (NM_001164097.2); c.4004-4329T>A (NM_001164098.2); c.1043-4329T>A (NM_001126336.3); short protein forms S1748R, S2735R.
Identifiers: ClinVar variation 4976650 (VCV004976650.1).

ClinVar aggregate classification (germline): Uncertain significance (1 of 4 stars; one submission).

gnomAD v4.1: 13 of 1,613,976 alleles (0.00081%); highest among the groups gnomAD compares: Non-Finnish European, 0.0011%; no homozygotes.

Submission:

GeneDx
Classification: Uncertain significance. Last evaluated: 2026-03-04. Review status: criteria provided, single submitter. Criteria: GeneDx Variant Classification Process June 2021. Collection method: clinical testing. Allele origin: germline.
Comment: Not observed at significant frequency in large population cohorts (gnomAD); In silico analysis supports that this missense variant has a deleterious effect on protein structure/function; Has not been previously published as pathogenic or benign to our knowledge